The following is an entry in ClinVar:

ClinVar aggregate classification (germline): Uncertain significance (1 of 4 stars; one submission).

Submission:

Labcorp Genetics (formerly Invitae), Labcorp
Classification: Uncertain significance. Last evaluated: 2022-08-21. Review status: criteria provided, single submitter. Criteria: Invitae Variant Classification Sherloc (09022015). Collection method: clinical testing. Allele origin: germline.
Comment: This sequence change replaces cysteine, which is neutral and slightly polar, with arginine, which is basic and polar, at codon 2926 of the DMXL2 protein (p.Cys2926Arg). This variant is not present in population databases (gnomAD no frequency). This variant has not been reported in the literature in individuals affected with DMXL2-related conditions. Algorithms developed to predict the effect of missense changes on protein structure and function are either unavailable or do not agree on the potential impact of this missense change (SIFT: "Deleterious"; PolyPhen-2: "Possibly Damaging"; Align-GVGD: "Class C0"). In summary, the available evidence is currently insufficient to determine the role of this variant in disease. Therefore, it has been classified as a Variant of Uncertain Significance.

NM_001378457.1(DMXL2):c.8839T>C (p.Cys2947Arg)

Genes: DMXL2 (Dmx like 2; minus strand), LOC126862131 (MED14-independent group 3 enhancer GRCh37_chr15:51741640-51742839; plus strand). Cytogenetic location: 15q21.2.
Variant type: single nucleotide variant.
Coding change: c.8839T>C on transcript NM_001378457.1 (MANE Select); coding-DNA position 8839, T replaced by C.
Protein change: p.Cys2947Arg; replaces cysteine 2947 with arginine.
Molecular consequence: missense variant. On other transcripts: non-coding transcript variant (2).
Genome position (GRCh38, 1-based): chr15:51,450,257, A>G on the plus strand (T>C on the coding strand, the complement: DMXL2 is on the minus strand). VCF-style: chr15-51450257-A-G. GRCh37 (hg19) VCF-style: chr15-51742454-A-G.
Other names: c.8776T>C, p.Cys2926Arg (NM_001174116.3); c.6865T>C, p.Cys2289Arg (NM_001174117.3); c.8836T>C, p.Cys2946Arg (NM_001378458.1); c.8551T>C, p.Cys2851Arg (NM_001378459.1); c.6754T>C, p.Cys2252Arg (NM_001378460.1); c.8773T>C, p.Cys2925Arg (NM_015263.5); short protein forms C2252R, C2289R, C2851R, C2925R, C2926R, C2946R, C2947R.
Identifiers: ClinVar variation 1717252 (VCV001717252.3), dbSNP rs2542930175, ClinGen allele CA392429695.
Genomic context (GRCh38, chr15:51,450,257, plus strand): 5'-TAGCTGAGTCATGGGCCTGGAACGTGTGAATGAGCTGCCTTTGCCTGATGTCAAAAATGC[A>G]GACGTGTCCTTTCCTACCCCCCGAGATTAGGAGTTGCTGTTTGGGTGCATACTGCAGTAC-3'
Protein context (NP_001365386.1, residues 2937-2957): LISGGRKGHV[Cys2947Arg]IFDIRQRQLI